The following is an entry in ClinVar:

ClinVar aggregate classification (germline): Uncertain significance. Review status: criteria provided, multiple submitters, no conflicts (2 of 4 stars). 3 submissions from 3 submitters: Uncertain significance (3). Last evaluated 2024-12-11.

Conditions:
Inborn genetic diseases. Identifiers: MedGen C0950123, MeSH D030342.

Allele frequency attached by ClinVar (database versions not stated): TOPMed below 0.00001; ExAC 0.00001; gnomAD exomes 0.00001.
gnomAD v4.1: 13 of 1,613,792 alleles (0.00081%); highest among the groups gnomAD compares: Non-Finnish European, 0.0011%; no homozygotes.

Submissions (3):

Ambry Genetics
Classification: Uncertain significance for Inborn genetic diseases. Last evaluated: 2024-12-11. Review status: criteria provided, single submitter. Criteria: Ambry Variant Classification Scheme 2023. Collection method: clinical testing. Allele origin: germline.

Labcorp Genetics (formerly Invitae), Labcorp
Classification: Uncertain significance. Last evaluated: 2021-03-04. Review status: criteria provided, single submitter. Criteria: Invitae Variant Classification Sherloc (09022015). Collection method: clinical testing. Allele origin: germline.
Comment: Algorithms developed to predict the effect of missense changes on protein structure and function output the following: SIFT: "Tolerated"; PolyPhen-2: "Benign"; Align-GVGD: "Class C0". The lysine amino acid residue is found in multiple mammalian species, suggesting that this missense change does not adversely affect protein function. These predictions have not been confirmed by published functional studies and their clinical significance is uncertain. This variant has not been reported in the literature in individuals with HSPG2-related conditions. ClinVar contains an entry for this variant (Variation ID: 585999). This variant is present in population databases (rs751315560, ExAC 0.002%). This sequence change replaces asparagine with lysine at codon 2172 of the HSPG2 protein (p.Asn2172Lys). The asparagine residue is weakly conserved and there is a moderate physicochemical difference between asparagine and lysine. In summary, the available evidence is currently insufficient to determine the role of this variant in disease. Therefore, it has been classified as a Variant of Uncertain Significance.

Athena Diagnostics
Classification: Uncertain significance. Last evaluated: 2018-07-02. Review status: criteria provided, single submitter. Criteria: Athena Diagnostics Criteria. Collection method: clinical testing. Allele origin: germline.

NM_005529.7(HSPG2):c.6516C>A (p.Asn2172Lys)

Genes: HSPG2 (heparan sulfate proteoglycan 2; minus strand), LOC126805655 (CDK7 strongly-dependent group 2 enhancer GRCh37_chr1:22178409-22179608; plus strand). Cytogenetic location: 1p36.12.
Variant type: single nucleotide variant.
Coding change: c.6516C>A on transcript NM_005529.7 (MANE Select); coding-DNA position 6516, C replaced by A.
Protein change: p.Asn2172Lys; replaces asparagine 2172 with lysine.
Molecular consequence: missense variant.
Genome position (GRCh38, 1-based): chr1:21,852,994, G>T on the plus strand (C>A on the coding strand, the complement: HSPG2 is on the minus strand). VCF-style: chr1-21852994-G-T. GRCh37 (hg19) VCF-style: chr1-22179487-G-T.
Other names: c.6519C>A, p.Asn2173Lys (NM_001291860.2); c.6516C>A (NM_005529.5); short protein forms N2172K, N2173K.
Identifiers: ClinVar variation 585999 (VCV000585999.11), dbSNP rs751315560, ClinGen allele CA671521.